The following is an entry in ClinVar:

ClinVar aggregate classification (germline): Uncertain significance. Review status: criteria provided, multiple submitters, no conflicts (2 of 4 stars). 2 submissions from 2 submitters: Uncertain significance (2). Last evaluated 2026-05-19.

Conditions:
Hereditary spastic paraplegia. Also called: Familial spastic paraparesis. Identifiers: Orphanet 685, MedGen C0037773, MONDO:0019064. Disease mechanism: loss of function.
Hereditary spastic paraplegia 15 (SPG15). Also called: SPASTIC PARAPLEGIA 15, AUTOSOMAL RECESSIVE; KJELLIN SYNDROME; SPASTIC PARAPLEGIA AND RETINAL DEGENERATION. Identifiers: Orphanet 100996, MedGen C1849128, MONDO:0010044, OMIM 270700.

Allele frequency attached by ClinVar (database versions not stated): ExAC 0.00001; gnomAD 0.00001; gnomAD exomes 0.00001; TOPMed 0.00001.
gnomAD v4.1: 10 of 1,613,900 alleles (0.00062%); highest among the groups gnomAD compares: East Asian, 0.0045%; no homozygotes.

Submissions (2):

Department of Molecular Genetics, Istishari Arab Hospital
Classification: Uncertain significance for Hereditary spastic paraplegia 15. Last evaluated: 2026-05-19. Review status: criteria provided, single submitter. Criteria: ACMG Guidelines, 2015. Collection method: clinical testing. Allele origin: germline. Inheritance: Autosomal recessive inheritance. Affected: yes.
Comment: The ZFYVE26 variant c.2756-6 G>A is predicted to disrupt the canonical splice site [SpliceAI: Strong (1)] and thus affects normal protein function. The variant is observed with very low frequency in the gnomAD v4.1.0 dataset (<0.001), and to the best of our knowledge, it was not previously reported in the literature. It is classified as a variant of uncertain significance based on ACMG/AMP/ClinGen SVI guidelines.

Genome Diagnostics Laboratory, The Hospital for Sick Children
Classification: Uncertain significance for Hereditary spastic paraplegia. Last evaluated: 2016-12-12. Review status: criteria provided, single submitter. Criteria: ACMG Guidelines, 2015. Collection method: clinical testing. Allele origin: germline. Affected: yes.

NM_015346.4(ZFYVE26):c.2756-6G>A

Gene: ZFYVE26 (zinc finger FYVE-type containing 26; minus strand). Cytogenetic location: 14q24.1.
Variant type: single nucleotide variant.
Coding change: c.2756-6G>A on transcript NM_015346.4 (MANE Select); 6 bases into the intron before coding-DNA position 2756, G replaced by A.
Molecular consequence: intron variant.
Genome position (GRCh38, 1-based): chr14:67,789,604, C>T on the plus strand (G>A on the coding strand, the complement: ZFYVE26 is on the minus strand). VCF-style: chr14-67789604-C-T. GRCh37 (hg19) VCF-style: chr14-68256321-C-T.
Identifiers: ClinVar variation 1344189 (VCV001344189.3), dbSNP rs750576685, ClinGen allele CA7240174.